The following is an entry in ClinVar:

NM_003280.3(TNNC1):c.56-8G>A

Gene: TNNC1 (troponin C1, slow skeletal and cardiac type; minus strand). Cytogenetic location: 3p21.1.
Variant type: single nucleotide variant.
Coding change: c.56-8G>A on transcript NM_003280.3 (MANE Select); 8 bases into the intron before coding-DNA position 56, G replaced by A.
Molecular consequence: intron variant.
Genome position (GRCh38, 1-based): chr3:52,452,260, C>T on the plus strand (G>A on the coding strand, the complement: TNNC1 is on the minus strand). VCF-style: chr3-52452260-C-T. GRCh37 (hg19) VCF-style: chr3-52486276-C-T.
Identifiers: ClinVar variation 165498 (VCV000165498.32), dbSNP rs727503495, ClinGen allele CA178255.

ClinVar aggregate classification (germline): Conflicting classifications of pathogenicity. Review status: criteria provided, conflicting classifications (1 of 4 stars). 4 submissions from 4 submitters: Uncertain significance (2); Likely benign (2). Last evaluated 2026-07-23.

Conditions:
TNNC1-related disorder. Also called: TNNC1-related condition.
Dilated cardiomyopathy 1Z (CMD1Z). Identifiers: Orphanet 154, MedGen C2678475, MONDO:0012745, OMIM 611879.
Hypertrophic cardiomyopathy 13. Also called: TNNC1-Related Familial Hypertrophic Cardiomyopathy. Identifiers: MedGen C2750472, MONDO:0013195, OMIM 613243.

Allele frequency attached by ClinVar (database versions not stated): ExAC 0.00002; gnomAD 0.00002; gnomAD exomes 0.00002 and 0.00003; TOPMed 0.00002.
gnomAD v4.1: 51 of 1,609,010 alleles (0.0032%); highest among the groups gnomAD compares: Non-Finnish European, 0.0042%; no homozygotes.

Submissions (4):

PreventionGenetics, part of Exact Sciences
Classification: Likely benign for TNNC1-related condition. Last evaluated: 2026-07-23. Review status: criteria provided, single submitter. Criteria: ACMG Guidelines, 2015. Collection method: clinical testing. Allele origin: germline.
Comment: This variant is classified as likely benign based on ACMG/AMP sequence variant interpretation guidelines (Richards et al. 2015 PMID: 25741868, with internal and published modifications).

Labcorp Genetics (formerly Invitae), Labcorp
Classification: Likely benign for Hypertrophic cardiomyopathy 13; Dilated cardiomyopathy 1Z. Last evaluated: 2026-01-19. Review status: criteria provided, single submitter. Criteria: Invitae Variant Classification Sherloc (09022015). Collection method: clinical testing. Allele origin: germline.

CeGaT Center for Human Genetics Tuebingen
Classification: Uncertain significance. Last evaluated: 2024-02-01. Review status: criteria provided, single submitter. Criteria: CeGaT Center For Human Genetics Tuebingen Variant Classification Criteria Version 2. Collection method: clinical testing. Allele origin: germline. Affected: yes. Observed: 1 variant allele.
Comment: TNNC1: PM2, BP4

Laboratory for Molecular Medicine, Mass General Brigham Personalized Medicine
Classification: Uncertain significance. Last evaluated: 2014-04-04. Review status: criteria provided, single submitter. Criteria: LMM Criteria. Collection method: clinical testing. Allele origin: germline. Observed: 1 variant allele.
Comment: Variant classified as Uncertain Significance - Favor Benign. The 56-8G>A variant in TNNC1 has not been reported in individuals with cardiomyopathy or in large p opulation studies. This variant is located in the 3' splice region. Computationa l tools do not suggest an impact to splicing. However, this information is not p redictive enough to rule out pathogenicity. Additional information is needed to fully assess the clinical significance of the 56-8G>A variant.